The following is an entry in ClinVar:

ClinVar aggregate classification (germline): Pathogenic (1 of 4 stars; one submission).

Conditions:
Menkes kinky-hair syndrome (MNK). Also called: Classic Menkes Disease; Copper transport disease; Menkes Disease. Identifiers: Orphanet 565, MedGen C0022716, MONDO:0010651, OMIM 309400.

Submission:

Victorian Clinical Genetics Services, Murdoch Childrens Research Institute
Classification: Pathogenic for Menkes kinky-hair syndrome. Last evaluated: 2020-10-19. Review status: criteria provided, single submitter. Criteria: ACMG Guidelines, 2015. Collection method: clinical testing. Allele origin: germline. Inheritance: X-linked recessive inheritance.
Comment: Based on the classification scheme VCGS_Germline_v1.3.3, this variant is classified as Pathogenic. Following criteria are met: 0102 - Loss of function is a known mechanism of disease in this gene and is associated with Menkes disease (MIM#). (I) 0109 - This gene is associated with X-linked recessive disease. (I) 0210 - Splice site variant proven to affect splicing of the transcript with a known effect on protein sequence. RT-PCR experiments on patient fibroblasts, has demonstrated this variant causes exon 10 skipping. This result was further verified by western blot showing a small protein. (SP) 0213 - In-frame insertion/deletion in a non-repetitive region that has high conservation. (SP) 0219 - This variant is non-coding in an alternative transcript. This variant affects the splicing of the predominant transcript (ClinVar, UCSC). (I) 0253 - This variant is hemizygous. (I) 0301 - Variant is absent from gnomAD (both v2 and v3). (SP) 0601 - Variant is located in exon 10 which contains the well-established functional golgi localization signal (PMID: 9668166). (SP) 0701 – Other variants comparable to the one identified in this case have very strong previous evidence for pathogenicity. Both missense and splice variants have also been functionally proven to cause exon 10 skipping, and have been reported in patients with Menkes disease and Occipital horn syndrome (PMID: 9467005, PMID: 28389643). Several pathogenic missense within exon 10 have also been reported (ClinVar). (SP) 0807 - This variant has no previous evidence of pathogenicity. (I) 0905 - No published segregation evidence has been identified for this variant. (I) 1001 - This variant has strong functional evidence supporting abnormal protein function. Functional analysis of patient cells where ATP7A protein lacked exon 10, has demonstrated protein mislocalization (PMID: 9467005). (SP) 1102 - Strong phenotype match for this individual. (SP) 1208 - Inheritance information for this variant is not currently available in this individual. (I) Legend: (SP) - Supporting pathogenic, (I) - Information, (SB) - Supporting benign

Literature cited by the submitters: PubMed 9467005; PubMed 9668166; PubMed 28389643.

NM_000052.7(ATP7A):c.2280C>G (p.Tyr760Ter)

Gene: ATP7A (ATPase copper transporting alpha; plus strand). Cytogenetic location: Xq21.1.
Variant type: single nucleotide variant.
Coding change: c.2280C>G on transcript NM_000052.7 (MANE Select); coding-DNA position 2280, C replaced by G.
Protein change: p.Tyr760Ter; replaces tyrosine 760 with a stop codon.
Molecular consequence: nonsense. On other transcripts: intron variant (1).
Genome position (GRCh38, 1-based): chrX:78,012,986, C>G. VCF-style: chrX-78012986-C-G. GRCh37 (hg19) VCF-style: chrX-77268483-C-G.
Other names: c.2172+1312C>G (NM_001282224.2); short protein forms Y760*.
Identifiers: ClinVar variation 1806151 (VCV001806151.2), dbSNP rs2522354743, ClinGen allele CA413599030.